The following is an entry in ClinVar:

NM_001146227.3(RPS20):c.391A>C (p.Arg131=)

Gene: RPS20 (ribosomal protein S20; minus strand). Cytogenetic location: 8q12.1.
Variant type: single nucleotide variant.
Coding change: c.391A>C on transcript NM_001146227.3; coding-DNA position 391, A replaced by C.
Protein change: p.Arg131=; no amino-acid change (arginine 131 retained).
Molecular consequence: synonymous variant.
Genome position (GRCh38, 1-based): chr8:56,069,776, T>G on the plus strand (A>C on the coding strand, the complement: RPS20 is on the minus strand). VCF-style: chr8-56069776-T-G. GRCh37 (hg19) VCF-style: chr8-56982335-T-G.
Identifiers: ClinVar variation 5042318 (VCV005042318.1).
Genomic context (GRCh38, chr8:56,069,776, plus strand): 5'-TTTTTGGCGGAGGAGAATGCAGTTAAAAAGGACATGTCCCCGGGGATTCGAATACACTTC[T>G]CAAAGTGTACTGCTGGCCCTCTGTATCCATGGGTTCTGCATCTGTAGATTCGATCAACTG-3'

ClinVar aggregate classification (germline): Benign (1 of 4 stars; one submission).

Conditions:
Familial colorectal cancer type X. Identifiers: Orphanet 440437, MedGen C3896578, MONDO:0018604.

Submission:

Myriad Genetics, Inc.
Classification: Benign for Familial colorectal cancer type X. Last evaluated: 2026-08-04. Review status: criteria provided, single submitter. Criteria: Myriad Autosomal Dominant, Autosomal Recessive and X-Linked Classification Criteria (2023). Collection method: clinical testing. Allele origin: unknown.
Comment: This variant is considered benign. This variant is a silent/synonymous amino acid change and it is not expected to impact splicing.